The following is an entry in ClinVar:

ClinVar aggregate classification (germline): Pathogenic/Likely pathogenic. Review status: criteria provided, multiple submitters, no conflicts (2 of 4 stars). 2 submissions from 2 submitters: Pathogenic (1); Likely pathogenic (1). Last evaluated 2025-06-05.

Conditions:
Zellweger spectrum disorders (ZS). Also called: Zellweger syndrome; Zellweger Spectrum Disorder (ZSD); Zellweger Spectrum Disorder; Zellweger Spectrum. Identifiers: Orphanet 912, MedGen C0043459, MONDO:0019609.
Peroxisome biogenesis disorder, complementation group 7 (CG7). Also called: Peroxisome biogenesis disorder, complementation group B. Identifiers: MedGen C1864399.

Submissions (2):

Natera, Inc.
Classification: Likely pathogenic for Zellweger syndrome. Last evaluated: 2025-06-05. Review status: criteria provided, single submitter. Criteria: Natera Variant Classification Schema (03/2026). Collection method: clinical testing. Allele origin: germline.
Comment: The c.724dup variant in PEX10 is a frameshift variant predicted to elongate the protein beyond the termination codon. This variant is expected to result in nonsense mediated decay, truncation, or a dysfunctional protein product. This variant is rare in the general population with a frequency below the threshold expected for the associated phenotype(s). Given the available evidence, this variant is classified as Likely Pathogenic.

Labcorp Genetics (formerly Invitae), Labcorp
Classification: Pathogenic for Peroxisome biogenesis disorder, complementation group 7. Last evaluated: 2019-06-25. Review status: criteria provided, single submitter. Criteria: Invitae Variant Classification Sherloc (09022015). Collection method: clinical testing. Allele origin: germline.
Comment: This sequence change results in a frameshift in the PEX10 gene (p.Val242Glyfs*117). While this is not anticipated to result in nonsense mediated decay, it is expected to disrupt the last 105 amino acids of the PEX10 protein and extend the protein by an additional 11 amino acids. This variant is not present in population databases (ExAC no frequency). This variant has not been reported in the literature in individuals with PEX10-related conditions. This variant results in an extension of the PEX10 protein. Other variant(s) that result in a similarly extended protein product (p.Leu256Alafs*103) have been determined to be pathogenic (PMID: 10862081, 19105186, 20695019, 21031596, 17702006). This suggests that these extensions are likely to be causative of disease. For these reasons, this variant has been classified as Pathogenic.

Literature cited by the submitters: PubMed 10862081 (cited by Labcorp Genetics (formerly Invitae), Labcorp); PubMed 19105186 (cited by Labcorp Genetics (formerly Invitae), Labcorp); PubMed 20695019 (cited by Labcorp Genetics (formerly Invitae), Labcorp); PubMed 21031596 (cited by Labcorp Genetics (formerly Invitae), Labcorp); PubMed 17702006 (cited by Labcorp Genetics (formerly Invitae), Labcorp).

NM_002617.4(PEX10):c.664dup (p.Val222fs)

Gene: PEX10 (peroxisomal biogenesis factor 10; minus strand). Cytogenetic location: 1p36.32.
Variant type: Duplication.
Coding change: c.664dup on transcript NM_002617.4 (MANE Select); coding-DNA position 664, one base duplicated (G; older notation c.664dupG).
Protein change: p.Val222fs; shifts the reading frame from valine 222.
Molecular consequence: frameshift variant. On other transcripts: non-coding transcript variant (1).
Genome position (GRCh38, 1-based): chr1:2,406,832, C duplicated on the plus strand (G on the coding strand, the reverse complement: PEX10 is on the minus strand); the first of 5 consecutive C bases (chr1:2,406,832-2,406,836); duplicating any one gives the same sequence. VCF-style (leftmost placement, unchanged base first): chr1-2406831-A-AC. GRCh37 (hg19) VCF-style: chr1-2338270-A-AC.
Other names: c.721dup, p.Val241fs (NM_001374425.1); c.289dup, p.Val97fs (NM_001374426.1); c.232dup, p.Val78fs (NM_001374427.1); c.724dup, p.Val242fs (NM_153818.2); short protein forms V241fs, V78fs, V222fs, V97fs, V242fs.
Identifiers: ClinVar variation 950664 (VCV000950664.7), dbSNP rs1357189926, ClinGen allele CA997786078.
Genomic context (GRCh38, chr1:2,406,831, plus strand): 5'-CGCTGCCTGAAACCGTACAGCTGCAGCCCCATGGACAGCACCAGGTGCAGCAGTGAGATG[A>AC]CCCCCAGCAGCCTGTAGCTAACACGGGCCCTCAGGTCCTCTCCGGGCAGGCTGCGGACAC-3'